The following is an entry in ClinVar:

NM_198578.4(LRRK2):c.2948A>G (p.Tyr983Cys)

Gene: LRRK2 (leucine rich repeat kinase 2; plus strand). Cytogenetic location: 12q12.
Variant type: single nucleotide variant.
Coding change: c.2948A>G on transcript NM_198578.4 (MANE Select); coding-DNA position 2948, A replaced by G.
Protein change: p.Tyr983Cys; replaces tyrosine 983 with cysteine.
Molecular consequence: missense variant.
Genome position (GRCh38, 1-based): chr12:40,295,496, A>G. VCF-style: chr12-40295496-A-G. GRCh37 (hg19) VCF-style: chr12-40689298-A-G.
Other names: short protein forms Y983C.
Identifiers: ClinVar variation 1797987 (VCV001797987.6), dbSNP rs1358971403, ClinGen allele CA384412623.

ClinVar aggregate classification (germline): Uncertain significance. Review status: criteria provided, multiple submitters, no conflicts (2 of 4 stars). 2 submissions from 2 submitters: Uncertain significance (2). Last evaluated 2024-07-08.

Conditions:
Autosomal dominant Parkinson disease 8. Also called: LRRK2-Related Parkinson Disease; Parkinson disease 8; Parkinson disease 8, susceptibility to. Identifiers: Orphanet 411602, MedGen C1846862, MONDO:0011764, OMIM 607060.
Inborn genetic diseases. Identifiers: MedGen C0950123, MeSH D030342.

Allele frequency attached by ClinVar (database versions not stated): TOPMed 0.00002.
gnomAD v4.1: 3 of 1,613,954 alleles (0.00019%); highest among the groups gnomAD compares: East Asian, 0.0022%; no homozygotes.

Submissions (2):

Ambry Genetics
Classification: Uncertain significance for Inborn genetic diseases. Last evaluated: 2024-07-08. Review status: criteria provided, single submitter. Criteria: Ambry Variant Classification Scheme 2023. Collection method: clinical testing. Allele origin: germline.
Comment: The p.Y983C variant (also known as c.2948A>G), located in coding exon 23 of the LRRK2 gene, results from an A to G substitution at nucleotide position 2948. The tyrosine at codon 983 is replaced by cysteine, an amino acid with highly dissimilar properties. This amino acid position is conserved. In addition, this alteration is predicted to be tolerated by in silico analysis. Since supporting evidence is limited at this time, the clinical significance of this alteration remains unclear.

Labcorp Genetics (formerly Invitae), Labcorp
Classification: Uncertain significance for Autosomal dominant Parkinson disease 8. Last evaluated: 2022-10-31. Review status: criteria provided, single submitter. Criteria: Invitae Variant Classification Sherloc (09022015). Collection method: clinical testing. Allele origin: germline.
Comment: This sequence change replaces tyrosine, which is neutral and polar, with cysteine, which is neutral and slightly polar, at codon 983 of the LRRK2 protein (p.Tyr983Cys). This variant is not present in population databases (gnomAD no frequency). This variant has not been reported in the literature in individuals affected with LRRK2-related conditions. Algorithms developed to predict the effect of missense changes on protein structure and function output the following: SIFT: "Tolerated"; PolyPhen-2: "Benign"; Align-GVGD: "Class C0". The cysteine amino acid residue is found in multiple mammalian species, which suggests that this missense change does not adversely affect protein function. In summary, the available evidence is currently insufficient to determine the role of this variant in disease. Therefore, it has been classified as a Variant of Uncertain Significance.